The following is an entry in ClinVar:

NM_181458.4(PAX3):c.1253del (p.Gly418fs)

Gene: PAX3 (paired box 3; minus strand). Cytogenetic location: 2q36.1.
Variant type: Deletion.
Coding change: c.1253del on transcript NM_181458.4 (MANE Select); coding-DNA position 1253, one base deleted (G; older notation c.1253delG).
Protein change: p.Gly418fs; shifts the reading frame from glycine 418.
Molecular consequence: frameshift variant. On other transcripts: intron variant (2).
Genome position (GRCh38, 1-based): chr2:222,202,111, C deleted on the plus strand (G on the coding strand, the reverse complement: PAX3 is on the minus strand); the first of 5 consecutive C bases (chr2:222,202,111-222,202,115); deleting any one gives the same sequence. VCF-style (leftmost placement, unchanged base first): chr2-222202110-AC-A. GRCh37 (hg19) VCF-style: chr2-223066829-AC-A.
Other names: c.1250del, p.Gly417fs (NM_001127366.3); c.1253del, p.Gly418fs (NM_181457.4, NM_181459.4); c.1174-669del (NM_181460.4, NM_181461.4); short protein forms G417fs, G418fs.
Identifiers: ClinVar variation 3376858 (VCV003376858.1).

ClinVar aggregate classification (germline): Pathogenic (1 of 4 stars; one submission).

Conditions:
Waardenburg syndrome type 1 (WS1). Also called: WAARDENBURG SYNDROME WITH DYSTOPIA CANTHORUM; Waardenburg Syndrome Type I. Identifiers: Orphanet 894, MedGen C1847800, MONDO:0008670, OMIM 193500.

Submission:

Victorian Clinical Genetics Services, Murdoch Childrens Research Institute
Classification: Pathogenic for Waardenburg syndrome type 1. Last evaluated: 2024-09-20. Review status: criteria provided, single submitter. Criteria: ACMG Guidelines, 2015. Collection method: clinical testing. Allele origin: germline. Inheritance: Autosomal dominant inheritance. Affected: yes.
Comment: Based on the classification scheme VCGS_Germline_v1.3.4, this variant is classified as Pathogenic. Following criteria are met: 0102 - Loss of function is a known mechanism of disease in this gene and is associated with Waardenburg syndrome. (I) 0108 - This gene is associated with both recessive and dominant disease. Waardenburg syndrome is typically dominant (MIM#193500), but has been seen in more severe cases associated with recessive inheritance (MIM#148820) (PMID: 30854529). (I) 0115 - Variants in this gene are known to have variable expressivity (PMID: 30854529). (I) 0201 - Variant is predicted to cause nonsense-mediated decay (NMD) and loss of protein (premature termination codon is located at least 54 nucleotides upstream of the final exon-exon junction). However, this variant is predicted to escape NMD in another transcript NM_181457.4. (SP) 0251 - This variant is heterozygous. (I) 0304 - Variant is present in gnomAD (v2) <0.01 (1 heterozygote, 0 homozygotes). (SP) 0701 - Other NMD predicted variants comparable to the one identified in this case have very strong previous evidence for pathogenicity (DECIPHER). As this variant escapes NMD in 1 transcript, there are also at least two downstream truncating variants classified as likely pathogenic in ClinVar. (SP) 0807 - This variant has no previous evidence of pathogenicity. (I) 0905 - No published segregation evidence has been identified for this variant. (I) 1007 - No published functional evidence has been identified for this variant. (I) 1208 - Inheritance information for this variant is not currently available in this individual. (I) Legend: (SP) - Supporting pathogenic, (I) - Information, (SB) - Supporting benign

Literature cited by the submitters: PubMed 20127975; PubMed 29158168; PubMed 30854529.